The following is an entry in ClinVar:

NM_016203.4(PRKAG2):c.148G>A (p.Gly50Arg)

Gene: PRKAG2 (protein kinase AMP-activated non-catalytic subunit gamma 2; minus strand). Cytogenetic location: 7q36.1.
Variant type: single nucleotide variant.
Coding change: c.148G>A on transcript NM_016203.4 (MANE Select); coding-DNA position 148, G replaced by A.
Protein change: p.Gly50Arg; replaces glycine 50 with arginine.
Molecular consequence: missense variant.
Genome position (GRCh38, 1-based): chr7:151,786,508, C>T on the plus strand (G>A on the coding strand, the complement: PRKAG2 is on the minus strand). VCF-style: chr7-151786508-C-T. GRCh37 (hg19) VCF-style: chr7-151483594-C-T.
Other names: c.16G>A, p.Gly6Arg (NM_001040633.2); short protein forms G50R, G6R.
Identifiers: ClinVar variation 958655 (VCV000958655.14), dbSNP rs1430071393, ClinGen allele CA370070054.

ClinVar aggregate classification (germline): Uncertain significance. Review status: criteria provided, multiple submitters, no conflicts (2 of 4 stars). 5 submissions from 5 submitters: Uncertain significance (5). Last evaluated 2024-09-17.

Conditions:
PRKAG2-related disorder. Also called: PRKAG2-related disorders; PRKAG2-related condition.
Lethal congenital glycogen storage disease of heart. Also called: GLYCOGEN STORAGE DISEASE OF HEART; PHOSPHORYLASE KINASE DEFICIENCY OF HEART. Identifiers: Orphanet 439854, MedGen C1849813, MONDO:0009867, OMIM 261740.
Cardiovascular phenotype. Identifiers: MedGen CN230736.
Hypertrophic cardiomyopathy. Also called: HYPERTROPHIC MYOCARDIOPATHY. Identifiers: Orphanet 217569, MedGen C0007194, MeSH D002312, MONDO:0005045, HP:0001639.

Allele frequency attached by ClinVar (database versions not stated): gnomAD exomes below 0.00001; gnomAD 0.00001; TOPMed 0.00001.
gnomAD v4.1: 4 of 1,612,860 alleles (0.00025%); highest among the groups gnomAD compares: Non-Finnish European, 0.00034%; no homozygotes.

Submissions (5):

Labcorp Genetics (formerly Invitae), Labcorp
Classification: Uncertain significance for Lethal congenital glycogen storage disease of heart. Last evaluated: 2024-09-17. Review status: criteria provided, single submitter. Criteria: Invitae Variant Classification Sherloc (09022015). Collection method: clinical testing. Allele origin: germline.
Comment: This sequence change replaces glycine, which is neutral and non-polar, with arginine, which is basic and polar, at codon 50 of the PRKAG2 protein (p.Gly50Arg). This variant is not present in population databases (gnomAD no frequency). This variant has not been reported in the literature in individuals affected with PRKAG2-related conditions. ClinVar contains an entry for this variant (Variation ID: 958655). Invitae Evidence Modeling of protein sequence and biophysical properties (such as structural, functional, and spatial information, amino acid conservation, physicochemical variation, residue mobility, and thermodynamic stability) indicates that this missense variant is not expected to disrupt PRKAG2 protein function with a negative predictive value of 95%. In summary, the available evidence is currently insufficient to determine the role of this variant in disease. Therefore, it has been classified as a Variant of Uncertain Significance.

Blueprint Genetics
Classification: Uncertain significance. Last evaluated: 2024-06-15. Review status: criteria provided, single submitter. Criteria: ACMG Guidelines, 2015. Collection method: clinical testing. Allele origin: germline.

All of Us Research Program, National Institutes of Health
Classification: Uncertain significance for Hypertrophic cardiomyopathy. Last evaluated: 2023-08-28. Review status: criteria provided, single submitter. Criteria: ACMG Guidelines, 2015. Collection method: clinical testing. Allele origin: germline. Inheritance: Autosomal dominant inheritance. Observed: 2 variant alleles, 2 heterozygotes.
Comment: This missense variant replaces glycine with arginine at codon 50 of the PRKAG2 protein. Computational prediction is inconclusive regarding the impact of this variant on protein structure and function (internally defined REVEL score threshold 0.5 < inconclusive < 0.7, PMID: 27666373). To our knowledge, functional studies have not been reported for this variant. This variant has not been reported in individuals affected with cardiovascular disorders in the literature. This variant has not been identified in the general population by the Genome Aggregation Database (gnomAD). The available evidence is insufficient to determine the role of this variant in disease conclusively. Therefore, this variant is classified as a Variant of Uncertain Significance.

This study involves interpretation of variants in research participants for the purpose of population health screening. Participant phenotype was not available at the time of variant classification. Additional details can be found in publication PMID: 35346344, PMCID: PMC8962531

PreventionGenetics, part of Exact Sciences
Classification: Uncertain significance for PRKAG2-related condition. Last evaluated: 2023-07-24. Review status: criteria provided, single submitter. Criteria: ACMG Guidelines, 2015. Collection method: clinical testing. Allele origin: germline.
Comment: The PRKAG2 c.148G>A variant is predicted to result in the amino acid substitution p.Gly50Arg. To our knowledge, this variant has not been reported in the literature or in a large population database, indicating this variant is rare. At this time, the clinical significance of this variant is uncertain due to the absence of conclusive functional and genetic evidence.

Ambry Genetics
Classification: Uncertain significance for Cardiovascular phenotype. Last evaluated: 2023-03-31. Review status: criteria provided, single submitter. Criteria: Ambry Variant Classification Scheme 2023. Collection method: clinical testing. Allele origin: germline.